The following is an entry in ClinVar:

NM_002637.4(PHKA1):c.2668A>G (p.Ile890Val)

Gene: PHKA1 (phosphorylase kinase regulatory subunit alpha 1; minus strand). Cytogenetic location: Xq13.1.
Variant type: single nucleotide variant.
Coding change: c.2668A>G on transcript NM_002637.4 (MANE Select); coding-DNA position 2668, A replaced by G.
Protein change: p.Ile890Val; replaces isoleucine 890 with valine.
Molecular consequence: missense variant.
Genome position (GRCh38, 1-based): chrX:72,605,558, T>C on the plus strand (A>G on the coding strand, the complement: PHKA1 is on the minus strand). VCF-style: chrX-72605558-T-C. GRCh37 (hg19) VCF-style: chrX-71825408-T-C.
Other names: c.2668A>G, p.Ile890Val (NM_001122670.2, NM_001431068.1); c.2491A>G, p.Ile831Val (NM_001172436.2); short protein forms I831V, I890V.
Identifiers: ClinVar variation 3906746 (VCV003906746.1).

ClinVar aggregate classification (germline): Uncertain significance (1 of 4 stars; one submission).

gnomAD v4.1: 3 of 1,203,828 alleles (0.00025%); highest among the groups gnomAD compares: Admixed American, 0.0022%; no homozygotes.

Submission:

GeneDx
Classification: Uncertain significance. Last evaluated: 2024-12-17. Review status: criteria provided, single submitter. Criteria: GeneDx Variant Classification Process June 2021. Collection method: clinical testing. Allele origin: germline. Affected: yes.
Comment: Not observed at significant frequency in large population cohorts (gnomAD); In silico analysis indicates that this missense variant does not alter protein structure/function; Has not been previously published as pathogenic or benign to our knowledge